The following is an entry in ClinVar:

NM_001378120.1(MBD5):c.1036C>A (p.Leu346Ile)

Gene: MBD5 (methyl-CpG binding domain protein 5; plus strand). Cytogenetic location: 2q23.1.
Variant type: single nucleotide variant.
Coding change: c.1036C>A on transcript NM_001378120.1 (MANE Select); coding-DNA position 1036, C replaced by A.
Protein change: p.Leu346Ile; replaces leucine 346 with isoleucine.
Molecular consequence: missense variant.
Genome position (GRCh38, 1-based): chr2:148,468,979, C>A. VCF-style: chr2-148468979-C-A. GRCh37 (hg19) VCF-style: chr2-149226548-C-A.
Other names: c.1036C>A, p.Leu346Ile (NM_018328.5); short protein forms L346I.
Identifiers: ClinVar variation 3653324 (VCV003653324.2).

ClinVar aggregate classification (germline): Uncertain significance (1 of 4 stars; one submission).

Conditions:
Intellectual developmental disorder, autosomal dominant 1. Also called: MBD5 Haploinsufficiency; Intellectual disability, autosomal dominant 1. Identifiers: Orphanet 228402, MedGen C1969562, MONDO:0007974, OMIM 156200.

gnomAD v4.1: 1 of 1,613,710 alleles (0.000062%); highest among the groups gnomAD compares: Admixed American, 0.0017%; no homozygotes.

Submission:

Labcorp Genetics (formerly Invitae), Labcorp
Classification: Uncertain significance for Intellectual developmental disorder, autosomal dominant 1. Last evaluated: 2024-05-14. Review status: criteria provided, single submitter. Criteria: Invitae Variant Classification Sherloc (09022015). Collection method: clinical testing. Allele origin: germline.
Comment: This sequence change replaces leucine, which is neutral and non-polar, with isoleucine, which is neutral and non-polar, at codon 346 of the MBD5 protein (p.Leu346Ile). This variant is present in population databases (no rsID available, gnomAD 0.1%). This variant has not been reported in the literature in individuals affected with MBD5-related conditions. Advanced modeling of protein sequence and biophysical properties (such as structural, functional, and spatial information, amino acid conservation, physicochemical variation, residue mobility, and thermodynamic stability) performed at Invitae indicates that this missense variant is not expected to disrupt MBD5 protein function with a negative predictive value of 80%. In summary, the available evidence is currently insufficient to determine the role of this variant in disease. Therefore, it has been classified as a Variant of Uncertain Significance.